The following is an entry in ClinVar:

NM_182699.4(DDX53):c.1117T>C (p.Leu373=)

Genes: DDX53 (DEAD-box helicase 53; plus strand), PTCHD1-AS (PTCHD1 antisense RNA (head to head); minus strand). Cytogenetic location: Xp22.11.
Variant type: single nucleotide variant.
Coding change: c.1117T>C on transcript NM_182699.4 (MANE Select); coding-DNA position 1117, T replaced by C.
Protein change: p.Leu373=; no amino-acid change (leucine 373 retained).
Molecular consequence: synonymous variant.
Genome position (GRCh38, 1-based): chrX:23,001,174, T>C. VCF-style: chrX-23001174-T-C. GRCh37 (hg19) VCF-style: chrX-23019291-T-C.
Identifiers: ClinVar variation 3051977 (VCV003051977.2), dbSNP rs148579266, ClinGen allele CA10368829.

ClinVar aggregate classification (germline): Likely benign (0 of 4 stars; one submission).

Conditions:
DDX53-related disorder. Also called: DDX53-related condition.

Allele frequency attached by ClinVar (database versions not stated): gnomAD exomes 0.00006; ExAC 0.00027; gnomAD 0.00077; ESP Exome Variant Server 0.00095.

Submission:

PreventionGenetics, part of Exact Sciences
Classification: Likely benign for DDX53-related condition. Last evaluated: 2022-03-09. Review status: no assertion criteria provided. Collection method: clinical testing. Allele origin: germline.
Comment: This variant is classified as likely benign based on ACMG/AMP sequence variant interpretation guidelines (Richards et al. 2015 PMID: 25741868, with internal and published modifications).